The following is an entry in ClinVar:

ClinVar aggregate classification (germline): Benign. Review status: criteria provided, multiple submitters, no conflicts (2 of 4 stars). 12 submissions from 10 submitters: Benign (10). 2 of the submissions do not count toward it. Last evaluated 2026-09-21.

Conditions:
Cardiac arrhythmia. Also called: Arrhythmia; Cardiac rhythm disease. Identifiers: MedGen C0003811, MONDO:0007263, HP:0011675.
Arrhythmogenic right ventricular dysplasia 2. Identifiers: MedGen C1832931.
Catecholaminergic polymorphic ventricular tachycardia 1. Also called: RYR2-Related Catecholaminergic Polymorphic Ventricular Tachycardia; VENTRICULAR TACHYCARDIA, STRESS-INDUCED POLYMORPHIC 1; VENTRICULAR TACHYCARDIA, CATECHOLAMINERGIC POLYMORPHIC, 1, WITH OR WITHOUT ATRIAL DYSFUNCTION AND/OR DILATED CARDIOMYOPATHY. Identifiers: Orphanet 3286, MedGen C1631597, MONDO:0011484, OMIM 604772.

Allele frequency attached by ClinVar (database versions not stated): 1000 Genomes Project 30x 0.98314; gnomAD exomes 0.99619 and 0.99843; TOPMed 0.98246; 1000 Genomes Project 0.98522; gnomAD 0.98361 and 0.98494; ESP Exome Variant Server 0.98538; ExAC 0.99539.
gnomAD v4.1: 1,332,612 of 1,336,870 alleles (100%); highest among the groups gnomAD compares: East Asian, 100%; 664,274 homozygotes.

Submissions (12):

Molecular Diagnostic Laboratory for Inherited Cardiovascular Disease, Montreal Heart Institute
Classification: Benign. Last evaluated: 2026-09-21. Review status: criteria provided, single submitter. Criteria: ACMG Guidelines, 2015. Collection method: clinical testing. Allele origin: germline. Affected: no.
Comment: BA1

Labcorp Genetics (formerly Invitae), Labcorp
Classification: Benign for Catecholaminergic polymorphic ventricular tachycardia 1. Last evaluated: 2026-02-04. Review status: criteria provided, single submitter. Criteria: Invitae Variant Classification Sherloc (09022015). Collection method: clinical testing. Allele origin: germline.

Blueprint Genetics
Classification: Benign. Last evaluated: 2024-11-26. Review status: criteria provided, single submitter. Criteria: ACMG Guidelines, 2015. Collection method: clinical testing. Allele origin: germline.

Genome-Nilou Lab
Classification: Benign for Catecholaminergic polymorphic ventricular tachycardia 1. Last evaluated: 2021-11-07. Review status: criteria provided, single submitter. Criteria: ACMG Guidelines, 2015. Collection method: clinical testing. Allele origin: germline. Affected: no.

Genome-Nilou Lab
Classification: Benign for Ventricular arrhythmias due to cardiac ryanodine receptor calcium release deficiency syndrome. Last evaluated: 2021-11-07. Review status: criteria provided, single submitter. Criteria: ACMG Guidelines, 2015. Collection method: clinical testing. Allele origin: germline. Affected: no.

Genome-Nilou Lab
Classification: Benign for Catecholaminergic polymorphic ventricular tachycardia 1. Last evaluated: 2021-11-07. Review status: criteria provided, single submitter. Criteria: ACMG Guidelines, 2015. Collection method: clinical testing. Allele origin: germline. Affected: no.

GeneDx
Classification: Benign. Last evaluated: 2015-03-03. Review status: criteria provided, single submitter. Criteria: GeneDx Variant Classification Process June 2021. Collection method: clinical testing. Allele origin: germline. Affected: yes.

Eurofins Ntd Llc (ga)
Classification: Benign. Last evaluated: 2014-09-15. Review status: criteria provided, single submitter. Criteria: EGL Classification Definitions 2015. Collection method: clinical testing. Allele origin: germline. Observed: 2 variant alleles, 2 homozygotes.

Breakthrough Genomics
Classification: Benign. Review status: criteria provided, single submitter. Criteria: ACMG Guidelines, 2015. Collection method: not provided. Allele origin: germline. Inheritance: Autosomal dominant inheritance. Affected: yes.

PreventionGenetics, part of Exact Sciences
Classification: Benign. Review status: criteria provided, single submitter. Criteria: ACMG Guidelines, 2015. Collection method: clinical testing. Allele origin: germline.

Clinical Genetics, Academic Medical Center
Classification: Benign. Review status: no assertion criteria provided. Collection method: clinical testing. Allele origin: germline. Affected: yes. Study: VKGL Data-share Consensus. Not counted in ClinVar's aggregate classification.

Diagnostic Laboratory, Department of Genetics, University Medical Center Groningen
Classification: Benign. Review status: no assertion criteria provided. Collection method: clinical testing. Allele origin: germline. Affected: yes. Study: VKGL Data-share Consensus. Not counted in ClinVar's aggregate classification.

NM_001035.3(RYR2):c.10935+18C>T

Gene: RYR2 (ryanodine receptor 2; plus strand). Cytogenetic location: 1q43.
Variant type: single nucleotide variant.
Coding change: c.10935+18C>T on transcript NM_001035.3 (MANE Select); 18 bases into the intron after coding-DNA position 10935, C replaced by T.
Molecular consequence: intron variant.
Genome position (GRCh38, 1-based): chr1:237,730,374, C>T. VCF-style: chr1-237730374-C-T. GRCh37 (hg19) VCF-style: chr1-237893674-C-T.
Other names: c.10935+18C>T (LRG_402t1).
Identifiers: ClinVar variation 198668 (VCV000198668.25), dbSNP rs2797445, ClinGen allele CA006803.